The following is an entry in ClinVar:

ClinVar aggregate classification (germline): Uncertain significance (1 of 4 stars; one submission).

Submission:

GeneDx
Classification: Uncertain significance. Last evaluated: 2019-06-14. Review status: criteria provided, single submitter. Criteria: GeneDx Variant Classification Process June 2021. Collection method: clinical testing. Allele origin: germline. Affected: yes.
Comment: Not observed in large population cohorts (Lek et al., 2016); In silico analysis, which includes protein predictors and evolutionary conservation, supports a deleterious effect; Has not been previously published as pathogenic or benign to our knowledge; In-silico analysis, which includes splice predictors and evolutionary conservation, is inconclusive as to whether the variant alters gene splicing. In the absence of RNA/functional studies, the actual effect of this sequence change is unknown.

NM_130837.3(OPA1):c.446T>G (p.Phe149Cys)

Gene: OPA1 (OPA1 mitochondrial dynamin like GTPase; plus strand). Cytogenetic location: 3q29.
Variant type: single nucleotide variant.
Coding change: c.446T>G on transcript NM_130837.3 (MANE Select); coding-DNA position 446, T replaced by G.
Protein change: p.Phe149Cys; replaces phenylalanine 149 with cysteine.
Molecular consequence: missense variant.
Genome position (GRCh38, 1-based): chr3:193,615,768, T>G. VCF-style: chr3-193615768-T-G. GRCh37 (hg19) VCF-style: chr3-193333557-T-G.
Other names: c.74T>G, p.Phe25Cys (NM_001354663.2, NM_001354664.2); c.446T>G, p.Phe149Cys (NM_015560.3, NM_130831.3, NM_130832.3 and 4 more transcripts); short protein forms F149C, F25C.
Identifiers: ClinVar variation 1320944 (VCV001320944.2), dbSNP rs2108869401, ClinGen allele CA355787326.